The following is an entry in ClinVar:

ClinVar aggregate classification (germline): Pathogenic. Review status: criteria provided, multiple submitters, no conflicts (2 of 4 stars). 3 submissions from 3 submitters: Pathogenic (3). Last evaluated 2025-03-02.

Conditions:
Hereditary cancer-predisposing syndrome. Also called: Hereditary neoplastic syndrome; Tumor predisposition; Neoplastic Syndromes, Hereditary; Hereditary Cancer Syndrome. Identifiers: Orphanet 140162, MedGen C0027672, MeSH D009386, MONDO:0015356.
Multiple endocrine neoplasia, type 1 (MEN1). Also called: MEN I; Endocrine adenomatosis multiple; MEN 1; WERMER SYNDROME; MEA I. Identifiers: Orphanet 652, MedGen C0025267, MeSH D018761, MONDO:0007540, OMIM 131100.

Submissions (3):

Labcorp Genetics (formerly Invitae), Labcorp
Classification: Pathogenic for Multiple endocrine neoplasia, type 1. Last evaluated: 2025-03-02. Review status: criteria provided, single submitter. Criteria: Invitae Variant Classification Sherloc (09022015). Collection method: clinical testing. Allele origin: germline.
Comment: This sequence change affects a donor splice site in intron 7 of the MEN1 gene. It is expected to disrupt RNA splicing. Variants that disrupt the donor or acceptor splice site typically lead to a loss of protein function (PMID: 16199547), and loss-of-function variants in MEN1 are known to be pathogenic (PMID: 12112656, 17853334). This variant is not present in population databases (gnomAD no frequency). Disruption of this splice site has been observed in individual(s) with multiple endocrine neoplasia type 1 (PMID: 9463336, 11836268). In at least one individual the variant was observed to be de novo. ClinVar contains an entry for this variant (Variation ID: 428025). Algorithms developed to predict the effect of sequence changes on RNA splicing suggest that this variant may disrupt the consensus splice site. For these reasons, this variant has been classified as Pathogenic.

Ambry Genetics
Classification: Pathogenic for Hereditary cancer-predisposing syndrome. Last evaluated: 2024-07-10. Review status: criteria provided, single submitter. Criteria: Ambry Variant Classification Scheme 2023. Collection method: clinical testing. Allele origin: germline.
Comment: The c.1049+1G>C pathogenic intronic variant results from a G to C substitution one nucleotide after coding exon 6 of the MEN1 gene. This variant was observed in multiple individuals who met clinical criteria for Multiple endocrine neoplasia type 1 (Ambry internal data). This nucleotide position is highly conserved in available vertebrate species. In silico splice site analysis predicts that this alteration will weaken the native splice donor site; however, direct evidence is insufficient at this time (Ambry internal data). This variant is considered to be rare based on population cohorts in the Genome Aggregation Database (gnomAD). Alterations that disrupt the canonical splice site are expected to cause aberrant splicing, resulting in an abnormal protein or a transcript that is subject to nonsense-mediated mRNA decay. Based on the supporting evidence, this variant is interpreted as a disease-causing mutation.

GeneDx
Classification: Pathogenic. Last evaluated: 2015-11-06. Review status: criteria provided, single submitter. Criteria: GeneDx Variant Classification (06012015). Collection method: clinical testing. Allele origin: germline. Affected: yes.
Comment: The IVS7+1 G>C splice site variant in the MEN1 gene destroys the canonical splice donor site in intron 7. It is predicted to cause abnormal gene splicing, either leading to an abnormal message that is subject to nonsense-mediated mRNA decay, or to an abnormal protein product if the message is used for protein translation. Although this pathogenic variant has not been previously reported to our knowledge, its presence is consistent with a diagnosis of MEN1

Literature cited by the submitters: PubMed 16199547 (cited by Labcorp Genetics (formerly Invitae), Labcorp); PubMed 12112656 (cited by Labcorp Genetics (formerly Invitae), Labcorp); PubMed 17853334 (cited by Labcorp Genetics (formerly Invitae), Labcorp); PubMed 9463336 (cited by Labcorp Genetics (formerly Invitae), Labcorp); PubMed 11836268 (cited by Labcorp Genetics (formerly Invitae), Labcorp).

NM_001370259.2(MEN1):c.1049+1G>C

Gene: MEN1 (menin 1; minus strand). Cytogenetic location: 11q13.1.
Variant type: single nucleotide variant.
Coding change: c.1049+1G>C on transcript NM_001370259.2 (MANE Select); the canonical splice donor site of the intron after coding-DNA position 1049, G replaced by C.
Molecular consequence: splice donor variant. On other transcripts: non-coding transcript variant (4).
Genome position (GRCh38, 1-based): chr11:64,806,231, C>G on the plus strand (G>C on the coding strand, the complement: MEN1 is on the minus strand). VCF-style: chr11-64806231-C-G. GRCh37 (hg19) VCF-style: chr11-64573703-C-G.
Other names: c.1064+1G>C (NM_130804.3, NM_130803.3, NM_000244.4 and 5 more transcripts); c.944+1G>C (NM_001407148.1, NM_001407149.1, NM_001407151.1 and 2 more transcripts); c.1049+1G>C (NM_130799.3, NM_001407144.1, NM_001370260.2 and 7 more transcripts).
Identifiers: ClinVar variation 428025 (VCV000428025.9), dbSNP rs1114167489, ClinGen allele CA381183126.